The following is an entry in ClinVar:

ClinVar aggregate classification (germline): Uncertain significance (1 of 4 stars; one submission).

Conditions:
Cardiomyopathy (CMYO). Also called: Cardiomyopathies. Identifiers: Orphanet 167848, MedGen C0878544, MONDO:0004994, HP:0001638. Inheritance: Various modes of inheritance.

gnomAD v4.1: 1 of 1,603,094 alleles (0.000062%); highest among the groups gnomAD compares: Non-Finnish European, 0.000085%; no homozygotes.

Submission:

Color Diagnostics, LLC DBA Color Health
Classification: Uncertain significance for Cardiomyopathy. Last evaluated: 2023-12-04. Review status: criteria provided, single submitter. Criteria: ACMG Guidelines, 2015. Collection method: clinical testing. Allele origin: germline.
Comment: This missense variant replaces proline with alanine at codon 18 of the TNNI3 protein. Computational prediction tools and conservation analyses are inconclusive regarding the impact of this variant on protein function. Computational splicing tools suggest that this variant may not impact RNA splicing. To our knowledge, functional assays have not been performed for this variant nor has this variant been reported in individuals affected with cardiovascular disorders in the literature. This variant has not been identified in the general population by the Genome Aggregation Database (gnomAD). Available evidence is insufficient to determine the role of this variant in disease conclusively. Therefore, this variant is classified as a Variant of Uncertain Significance.

NM_000363.5(TNNI3):c.52C>G (p.Pro18Ala)

Gene: TNNI3 (troponin I3, cardiac type; minus strand). Cytogenetic location: 19q13.42.
Variant type: single nucleotide variant.
Coding change: c.52C>G on transcript NM_000363.5 (MANE Select); coding-DNA position 52, C replaced by G.
Protein change: p.Pro18Ala; replaces proline 18 with alanine.
Molecular consequence: missense variant.
Genome position (GRCh38, 1-based): chr19:55,157,106, G>C on the plus strand (C>G on the coding strand, the complement: TNNI3 is on the minus strand). VCF-style: chr19-55157106-G-C. GRCh37 (hg19) VCF-style: chr19-55668474-G-C.
Other names: short protein forms P18A.
Identifiers: ClinVar variation 921067 (VCV000921067.5), dbSNP rs779416591, ClinGen allele CA407443129.